The following is an entry in ClinVar:

NM_000213.5(ITGB4):c.2770dup (p.Thr924fs)

Gene: ITGB4 (integrin subunit beta 4; plus strand). Cytogenetic location: 17q25.1.
Variant type: Duplication.
Coding change: c.2770dup on transcript NM_000213.5 (MANE Select); coding-DNA position 2770, one base duplicated (A; older notation c.2770dupA).
Protein change: p.Thr924fs; shifts the reading frame from threonine 924.
Molecular consequence: frameshift variant.
Genome position (GRCh38, 1-based): chr17:75,742,477, A duplicated. VCF-style (leftmost placement, unchanged base first): chr17-75742476-C-CA. GRCh37 (hg19) VCF-style: chr17-73738557-C-CA.
Other names: c.2770dup, p.Thr924Asnfs (NM_001005619.2); c.2770dup, p.Thr924fs (NM_001005731.3, NM_001321123.2); short protein forms T924fs.
Identifiers: ClinVar variation 2859429 (VCV002859429.3), dbSNP rs2545800994, ClinGen allele CA2739265734.

ClinVar aggregate classification (germline): Pathogenic (1 of 4 stars; one submission).

Submission:

Labcorp Genetics (formerly Invitae), Labcorp
Classification: Pathogenic. Last evaluated: 2023-05-08. Review status: criteria provided, single submitter. Criteria: Invitae Variant Classification Sherloc (09022015). Collection method: clinical testing. Allele origin: germline.
Comment: For these reasons, this variant has been classified as Pathogenic. This variant has not been reported in the literature in individuals affected with ITGB4-related conditions. This variant is not present in population databases (gnomAD no frequency). This sequence change creates a premature translational stop signal (p.Thr924Asnfs*30) in the ITGB4 gene. It is expected to result in an absent or disrupted protein product. Loss-of-function variants in ITGB4 are known to be pathogenic (PMID: 11328943, 16473856).

Literature cited by the submitters: PubMed 11328943; PubMed 16473856.